The following is an entry in ClinVar:

ClinVar aggregate classification (germline): Uncertain significance. Review status: criteria provided, multiple submitters, no conflicts (2 of 4 stars). 2 submissions from 2 submitters: Uncertain significance (2). Last evaluated 2025-08-01.

Conditions:
Inborn genetic diseases. Identifiers: MedGen C0950123, MeSH D030342.

Allele frequency attached by ClinVar (database versions not stated): ExAC 0.00001; gnomAD exomes 0.00001.
gnomAD v4.1: 13 of 1,612,948 alleles (0.00081%); highest among the groups gnomAD compares: Non-Finnish European, 0.0011%; no homozygotes.

Submissions (2):

Ambry Genetics
Classification: Uncertain significance for Inborn genetic diseases. Last evaluated: 2025-08-01. Review status: criteria provided, single submitter. Criteria: Ambry Variant Classification Scheme 2023. Collection method: clinical testing. Allele origin: germline.

GeneDx
Classification: Uncertain significance. Last evaluated: 2019-10-02. Review status: criteria provided, single submitter. Criteria: GeneDx Variant Classification Process June 2021. Collection method: clinical testing. Allele origin: germline. Affected: yes.
Comment: Has not been previously published as pathogenic or benign to our knowledge; Not observed at a significant frequency in large population cohorts (Lek et al., 2016); In silico analysis, which includes protein predictors and evolutionary conservation, supports that this variant does not alter protein structure/function

NM_012200.4(B3GAT3):c.21C>G (p.Asn7Lys)

Gene: B3GAT3 (beta-1,3-glucuronyltransferase 3; minus strand). Cytogenetic location: 11q12.3.
Variant type: single nucleotide variant.
Coding change: c.21C>G on transcript NM_012200.4 (MANE Select); coding-DNA position 21, C replaced by G.
Protein change: p.Asn7Lys; replaces asparagine 7 with lysine.
Molecular consequence: missense variant. On other transcripts: 5 prime UTR variant (1), non-coding transcript variant (1).
Genome position (GRCh38, 1-based): chr11:62,621,927, G>C on the plus strand (C>G on the coding strand, the complement: B3GAT3 is on the minus strand). VCF-style: chr11-62621927-G-C. GRCh37 (hg19) VCF-style: chr11-62389399-G-C.
Other names: c.-240C>G (NM_001288721.2); c.21C>G, p.Asn7Lys (NM_001288722.2, NM_001288723.2); short protein forms N7K.
Identifiers: ClinVar variation 1308908 (VCV001308908.3), dbSNP rs779934549, ClinGen allele CA6050268.